The following is an entry in ClinVar:

NM_020338.4(ZMIZ1):c.1553C>T (p.Pro518Leu)

Gene: ZMIZ1 (zinc finger MIZ-type containing 1; plus strand). Cytogenetic location: 10q22.3.
Variant type: single nucleotide variant.
Coding change: c.1553C>T on transcript NM_020338.4 (MANE Select); coding-DNA position 1553, C replaced by T.
Protein change: p.Pro518Leu; replaces proline 518 with leucine.
Molecular consequence: missense variant.
Genome position (GRCh38, 1-based): chr10:79,298,467, C>T. VCF-style: chr10-79298467-C-T. GRCh37 (hg19) VCF-style: chr10-81058224-C-T.
Other names: short protein forms P518L.
Identifiers: ClinVar variation 3369057 (VCV003369057.1).

ClinVar aggregate classification (germline): Uncertain significance (1 of 4 stars; one submission).

Submission:

GeneDx
Classification: Uncertain significance. Last evaluated: 2024-02-09. Review status: criteria provided, single submitter. Criteria: GeneDx Variant Classification Process June 2021. Collection method: clinical testing. Allele origin: germline. Affected: yes.
Comment: Not observed at significant frequency in large population cohorts (gnomAD); In silico analysis supports that this missense variant has a deleterious effect on protein structure/function; Has not been previously published as pathogenic or benign to our knowledge